The following is an entry in ClinVar:

NM_001271.4(CHD2):c.3937C>G (p.Arg1313Gly)

Gene: CHD2 (chromodomain helicase DNA binding protein 2; plus strand). Cytogenetic location: 15q26.1.
Variant type: single nucleotide variant.
Coding change: c.3937C>G on transcript NM_001271.4 (MANE Select); coding-DNA position 3937, C replaced by G.
Protein change: p.Arg1313Gly; replaces arginine 1313 with glycine.
Molecular consequence: missense variant.
Genome position (GRCh38, 1-based): chr15:92,998,550, C>G. VCF-style: chr15-92998550-C-G. GRCh37 (hg19) VCF-style: chr15-93541780-C-G.
Other names: short protein forms R1313G.
Identifiers: ClinVar variation 1805116 (VCV001805116.4), dbSNP rs1555444702, ClinGen allele CA393899422.

ClinVar aggregate classification (germline): Pathogenic. Review status: criteria provided, multiple submitters, no conflicts (2 of 4 stars). 2 submissions from 2 submitters: Pathogenic (2). Last evaluated 2023-11-27.

Conditions:
Developmental and epileptic encephalopathy 94 (DEE94). Also called: CHD2-Related Neurodevelopmental Disorders; Epileptic encephalopathy, childhood-onset. Identifiers: Orphanet 1942, Orphanet 2382, MedGen C3809278, MONDO:0014150, OMIM 615369.

Submissions (2):

Labcorp Genetics (formerly Invitae), Labcorp
Classification: Pathogenic for Developmental and epileptic encephalopathy 94. Last evaluated: 2023-11-27. Review status: criteria provided, single submitter. Criteria: Invitae Variant Classification Sherloc (09022015). Collection method: clinical testing. Allele origin: germline.
Comment: This sequence change replaces arginine, which is basic and polar, with glycine, which is neutral and non-polar, at codon 1313 of the CHD2 protein (p.Arg1313Gly). This variant is not present in population databases (gnomAD no frequency). This missense change has been observed in individual(s) with clinical features of CHD2-related conditions (PMID: 25783594; Invitae). In at least one individual the variant was observed to be de novo. ClinVar contains an entry for this variant (Variation ID: 1805116). Advanced modeling of protein sequence and biophysical properties (such as structural, functional, and spatial information, amino acid conservation, physicochemical variation, residue mobility, and thermodynamic stability) has been performed at Invitae for this missense variant, however the output from this modeling did not meet the statistical confidence thresholds required to predict the impact of this variant on CHD2 protein function. This variant disrupts the p.Arg1313 amino acid residue in CHD2. Other variant(s) that disrupt this residue have been determined to be pathogenic (Invitae). This suggests that this residue is clinically significant, and that variants that disrupt this residue are likely to be disease-causing. For these reasons, this variant has been classified as Pathogenic.

Victorian Clinical Genetics Services, Murdoch Childrens Research Institute
Classification: Pathogenic for Developmental and epileptic encephalopathy 94. Last evaluated: 2022-02-02. Review status: criteria provided, single submitter. Criteria: ACMG Guidelines, 2015. Collection method: clinical testing. Allele origin: germline. Inheritance: Autosomal dominant inheritance.
Comment: Based on the classification scheme VCGS_Germline_v1.3.4, this variant is classified as Pathogenic. Following criteria are met: 0102 - Loss of function is a known mechanism of disease in this gene and is associated with develomental and epileptic encephalopathy 94 (MIM#615369). (I) 0107 - This gene is associated with autosomal dominant disease. (I) 0200 - Variant is predicted to result in a missense amino acid change from arginine to glycine. (I) 0251 - This variant is heterozygous. (I) 0301 - Variant is absent from gnomAD (both v2 and v3). (SP) 0501 - Missense variant consistently predicted to be damaging by multiple in silico tools or highly conserved with a major amino acid change. (SP) 0604 - Variant is not located in an established domain, motif, hotspot or informative constraint region. (I) 0704 - Another missense variant comparable to the one identified in this case has limited previous evidence for pathogenicity. An alternative missense change to proline has been classified as pathogenic in ClinVar, and was reported to have been found de novo in an individual with early-onset epileptic encephalopathy. A second alternative missense change to glutamine has been classified as a VUS in ClinVar. (SP) 0803 - This variant has limited previous evidence of pathogenicity in an unrelated individual. This variant is described in the literature in an individual with photosensitive epilepsy (PMID: 25783594). (SP) 0905 - No published segregation evidence has been identified for this variant. (I) 1007 - No published functional evidence has been identified for this variant. (SP) Legend: (SP) - Supporting pathogenic, (I) - Information, (SB) - Supporting benign

Literature cited by the submitters: PubMed 25783594 (cited by Labcorp Genetics (formerly Invitae), Labcorp and Victorian Clinical Genetics Services, Murdoch Childrens Research Institute).